The following is an entry in ClinVar:

ClinVar aggregate classification (germline): Likely benign (1 of 4 stars; one submission).

Submission:

CeGaT Center for Human Genetics Tuebingen
Classification: Likely benign. Last evaluated: 2024-11-01. Review status: criteria provided, single submitter. Criteria: CeGaT Center For Human Genetics Tuebingen Variant Classification Criteria Version 2. Collection method: clinical testing. Allele origin: germline. Affected: yes. Observed: 1 variant allele.
Comment: SPTY2D1: PM2:Supporting, BP4, BP7

NM_194285.3(SPTY2D1):c.900T>A (p.Leu300=)

Gene: SPTY2D1 (SPT2 chromatin protein domain containing 1; minus strand). Cytogenetic location: 11p15.1.
Variant type: single nucleotide variant.
Coding change: c.900T>A on transcript NM_194285.3 (MANE Select); coding-DNA position 900, T replaced by A.
Protein change: p.Leu300=; no amino-acid change (leucine 300 retained).
Molecular consequence: synonymous variant.
Genome position (GRCh38, 1-based): chr11:18,615,374, A>T on the plus strand (T>A on the coding strand, the complement: SPTY2D1 is on the minus strand). VCF-style: chr11-18615374-A-T. GRCh37 (hg19) VCF-style: chr11-18636921-A-T.
Identifiers: ClinVar variation 3388811 (VCV003388811.14).